The following is an entry in ClinVar:

ClinVar aggregate classification (germline): Likely benign (1 of 4 stars; one submission).

Submission:

CeGaT Center for Human Genetics Tuebingen
Classification: Likely benign. Last evaluated: 2026-06-01. Review status: criteria provided, single submitter. Criteria: CeGaT Center For Human Genetics Tuebingen Variant Classification Criteria Version 2. Collection method: clinical testing. Allele origin: germline. Affected: yes. Observed: 2 variant alleles.
Comment: COL12A1: PM2:Supporting, BP4, BP7

NM_004370.6(COL12A1):c.7716A>G (p.Gly2572=)

Gene: COL12A1 (collagen type XII alpha 1 chain; minus strand). Cytogenetic location: 6q13.
Variant type: single nucleotide variant.
Coding change: c.7716A>G on transcript NM_004370.6 (MANE Select); coding-DNA position 7716, A replaced by G.
Protein change: p.Gly2572=; no amino-acid change (glycine 2572 retained).
Molecular consequence: synonymous variant.
Genome position (GRCh38, 1-based): chr6:75,113,726, T>C on the plus strand (A>G on the coding strand, the complement: COL12A1 is on the minus strand). VCF-style: chr6-75113726-T-C. GRCh37 (hg19) VCF-style: chr6-75823442-T-C.
Other names: c.7716A>G, p.Gly2572= (NM_001424113.1); c.7695A>G, p.Gly2565= (NM_001424114.1); c.7443A>G, p.Gly2481= (NM_001424115.1); c.4224A>G, p.Gly1408= (NM_001424116.1, NM_080645.3).
Identifiers: ClinVar variation 4822447 (VCV004822447.4).